The following is an entry in ClinVar:

NM_001369369.1(FOXN1):c.1253G>A (p.Gly418Asp)

Gene: FOXN1 (forkhead box N1; plus strand). Cytogenetic location: 17q11.2.
Variant type: single nucleotide variant.
Coding change: c.1253G>A on transcript NM_001369369.1 (MANE Select); coding-DNA position 1253, G replaced by A.
Protein change: p.Gly418Asp; replaces glycine 418 with aspartic acid.
Molecular consequence: missense variant.
Genome position (GRCh38, 1-based): chr17:28,534,824, G>A. VCF-style: chr17-28534824-G-A. GRCh37 (hg19) VCF-style: chr17-26861842-G-A.
Other names: c.1253G>A, p.Gly418Asp (NM_003593.3); short protein forms G418D.
Identifiers: ClinVar variation 2398102 (VCV002398102.3), dbSNP rs756693943, ClinGen allele CA8459484.

ClinVar aggregate classification (germline): Uncertain significance. Review status: criteria provided, multiple submitters, no conflicts (2 of 4 stars). 2 submissions from 2 submitters: Uncertain significance (2). Last evaluated 2025-03-10.

Conditions:
Inborn genetic diseases. Identifiers: MedGen C0950123, MeSH D030342.
T-cell immunodeficiency, congenital alopecia, and nail dystrophy. Also called: Congenital alopecia and nail dystrophy associated with severe functional T-cell immunodeficiency; Pignata Guarino syndrome. Identifiers: Orphanet 169095, MedGen C1866426, MONDO:0011132, OMIM 601705.

Allele frequency attached by ClinVar (database versions not stated): gnomAD exomes 0.00002; ExAC 0.00005.
gnomAD v4.1: 34 of 1,613,780 alleles (0.0021%); highest among the groups gnomAD compares: South Asian, 0.037%; no homozygotes.

Submissions (2):

Labcorp Genetics (formerly Invitae), Labcorp
Classification: Uncertain significance for T-cell immunodeficiency, congenital alopecia, and nail dystrophy. Last evaluated: 2025-03-10. Review status: criteria provided, single submitter. Criteria: Invitae Variant Classification Sherloc (09022015). Collection method: clinical testing. Allele origin: germline.
Comment: This sequence change replaces glycine, which is neutral and non-polar, with aspartic acid, which is acidic and polar, at codon 418 of the FOXN1 protein (p.Gly418Asp). This variant is present in population databases (rs756693943, gnomAD 0.03%). This variant has not been reported in the literature in individuals affected with FOXN1-related conditions. ClinVar contains an entry for this variant (Variation ID: 2398102). Invitae Evidence Modeling of protein sequence and biophysical properties (such as structural, functional, and spatial information, amino acid conservation, physicochemical variation, residue mobility, and thermodynamic stability) indicates that this missense variant is not expected to disrupt FOXN1 protein function with a negative predictive value of 80%. In summary, the available evidence is currently insufficient to determine the role of this variant in disease. Therefore, it has been classified as a Variant of Uncertain Significance.

Ambry Genetics
Classification: Uncertain significance for Inborn genetic diseases. Last evaluated: 2022-06-24. Review status: criteria provided, single submitter. Criteria: Ambry Variant Classification Scheme 2023. Collection method: clinical testing. Allele origin: germline.